The following is an entry in ClinVar:

ClinVar aggregate classification (germline): Pathogenic (1 of 4 stars; one submission).

Conditions:
Long QT syndrome 1 (LQT1). Identifiers: Orphanet 101016, Orphanet 768, MedGen C4551647, MONDO:0100316, OMIM 192500, MONDO:0008646.

Submission:

Labcorp Genetics (formerly Invitae), Labcorp
Classification: Pathogenic for Long QT syndrome 1. Last evaluated: 2021-04-12. Review status: criteria provided, single submitter. Criteria: Invitae Variant Classification Sherloc (09022015). Collection method: clinical testing. Allele origin: germline.
Comment: This sequence change replaces aspartic acid with glutamic acid at codon 130 of the CALM3 protein (p.Asp130Glu). The aspartic acid residue is highly conserved and there is a small physicochemical difference between aspartic acid and glutamic acid. Algorithms developed to predict the effect of missense changes on protein structure and function (SIFT, PolyPhen-2, Align-GVGD) all suggest that this variant is likely to be disruptive, but these predictions have not been confirmed by published functional studies and their clinical significance is uncertain. This variant has been observed in individual(s) with clinical features of long QT syndrome (Invitae). In at least one individual the variant was observed to be de novo. This variant is not present in population databases (ExAC no frequency). For these reasons, this variant has been classified as Pathogenic. This variant disrupts the p.Asp130 amino acid residue in CALM3. Other variant(s) that disrupt this residue have been determined to be pathogenic (PMID: 25460178, 31454269). This suggests that this residue is clinically significant, and that variants that disrupt this residue are likely to be disease-causing.

Literature cited by the submitters: PubMed 25460178; PubMed 31454269.

NM_005184.4(CALM3):c.390C>G (p.Asp130Glu)

Gene: CALM3 (calmodulin 3; plus strand). Cytogenetic location: 19q13.32.
Variant type: single nucleotide variant.
Coding change: c.390C>G on transcript NM_005184.4 (MANE Select); coding-DNA position 390, C replaced by G.
Protein change: p.Asp130Glu; replaces aspartic acid 130 with glutamic acid.
Molecular consequence: missense variant.
Genome position (GRCh38, 1-based): chr19:46,608,950, C>G. VCF-style: chr19-46608950-C-G. GRCh37 (hg19) VCF-style: chr19-47112207-C-G.
Other names: c.282C>G, p.Asp94Glu (NM_001329921.1, NM_001329923.1, NM_001329924.2 and 2 more transcripts); c.390C>G, p.Asp130Glu (NM_001329922.1); short protein forms D130E, D94E.
Identifiers: ClinVar variation 1358003 (VCV001358003.8), dbSNP rs35617141, ClinGen allele CA406473547.